The following is an entry in ClinVar:

NM_130797.4(DPP6):c.1299+200A>G

Gene: DPP6 (dipeptidyl peptidase like 6; plus strand). Cytogenetic location: 7q36.2.
Variant type: single nucleotide variant.
Coding change: c.1299+200A>G on transcript NM_130797.4 (MANE Select); 200 bases into the intron after coding-DNA position 1299, A replaced by G.
Molecular consequence: intron variant. On other transcripts: missense variant (1).
Genome position (GRCh38, 1-based): chr7:154,796,083, A>G. VCF-style: chr7-154796083-A-G. GRCh37 (hg19) VCF-style: chr7-154587793-A-G.
Other names: c.1307A>G, p.Gln436Arg (NM_001364501.2); c.1116+200A>G (NM_001364500.2, NM_001364499.2, NM_001364497.2 and 1 more transcripts); c.1107+200A>G (NM_001039350.3); c.1113+200A>G (NM_001936.5); c.978+200A>G (NM_001290252.2); c.1307A>G (NM_001364501.1); short protein forms Q436R.
Identifiers: ClinVar variation 1259698 (VCV001259698.5), dbSNP rs10236495, ClinGen allele CA12551724.

ClinVar aggregate classification (germline): Benign. Review status: criteria provided, multiple submitters, no conflicts (2 of 4 stars). 3 submissions from 3 submitters: Benign (2). 1 of the submissions does not count toward it. Last evaluated 2021-05-11.

Conditions:
DPP6-related disorder. Also called: DPP6-related condition.

Allele frequency attached by ClinVar (database versions not stated): gnomAD exomes 0.38685; gnomAD 0.43949 and 0.44071; 1000 Genomes Project 0.44589; TOPMed 0.44791; 1000 Genomes Project 30x 0.45362.
gnomAD v4.1: 298,420 of 750,066 alleles (40%); highest among the groups gnomAD compares: African/African-American, 56%; 61,766 homozygotes.

Submissions (3):

GeneDx
Classification: Benign. Last evaluated: 2021-05-11. Review status: criteria provided, single submitter. Criteria: GeneDx Variant Classification Process June 2021. Collection method: clinical testing. Allele origin: germline. Affected: yes.

Breakthrough Genomics
Classification: Benign. Review status: criteria provided, single submitter. Criteria: ACMG Guidelines, 2015. Collection method: not provided. Allele origin: germline. Inheritance: Autosomal dominant inheritance. Affected: yes.

PreventionGenetics, part of Exact Sciences
Classification: Benign for DPP6-related condition. Last evaluated: 2019-02-18. Review status: no assertion criteria provided. Collection method: clinical testing. Allele origin: germline. Not counted in ClinVar's aggregate classification.
Comment: This variant is classified as benign based on ACMG/AMP sequence variant interpretation guidelines (Richards et al. 2015 PMID: 25741868, with internal and published modifications).